The following is an entry in ClinVar:

ClinVar aggregate classification (germline): Uncertain significance. Review status: criteria provided, multiple submitters, no conflicts (2 of 4 stars). 2 submissions from 2 submitters: Uncertain significance (2). Last evaluated 2025-11-03.

Conditions:
Naxos disease (NXD). Also called: KERATOSIS PALMOPLANTARIS WITH ARRHYTHMOGENIC CARDIOMYOPATHY; MAL DE NAXOS; PALMOPLANTAR KERATODERMA WITH ARRHYTHMOGENIC RIGHT VENTRICULAR CARDIOMYOPATHY AND WOOLLY HAIR; CARDIOMYOPATHY, ARRHYTHMOGENIC RIGHT VENTRICULAR, WITH SKIN, HAIR, AND NAIL ABNORMALITIES; WOOLLY HAIR, PALMOPLANTAR KERATODERMA, AND CARDIAC ABNORMALITIES. Identifiers: Orphanet 34217, MedGen C1832600, MONDO:0011017, OMIM 601214.
Arrhythmogenic right ventricular dysplasia 12. Also called: ARRHYTHMOGENIC RIGHT VENTRICULAR DYSPLASIA, FAMILIAL, 12. Identifiers: MedGen C1969081, MONDO:0012684, OMIM 611528.

Allele frequency attached by ClinVar (database versions not stated): gnomAD exomes 0.00001 and 0.00003; ExAC 0.00003.

Submissions (2):

Labcorp Genetics (formerly Invitae), Labcorp
Classification: Uncertain significance for Arrhythmogenic right ventricular dysplasia 12; Naxos disease. Last evaluated: 2025-11-03. Review status: criteria provided, single submitter. Criteria: Invitae Variant Classification Sherloc (09022015). Collection method: clinical testing. Allele origin: germline.
Comment: This sequence change replaces methionine, which is neutral and non-polar, with valine, which is neutral and non-polar, at codon 164 of the JUP protein (p.Met164Val). This variant is present in population databases (rs782573703, gnomAD 0.02%). This variant has not been reported in the literature in individuals affected with JUP-related conditions. ClinVar contains an entry for this variant (Variation ID: 234783). An algorithm developed to predict the effect of missense changes on protein structure and function (PolyPhen-2) suggests that this variant is likely to be tolerated. In summary, the available evidence is currently insufficient to determine the role of this variant in disease. Therefore, it has been classified as a Variant of Uncertain Significance.

GeneDx
Classification: Uncertain significance. Last evaluated: 2016-01-25. Review status: criteria provided, single submitter. Criteria: GeneDx Variant Classification (06012015). Collection method: clinical testing. Allele origin: germline. Affected: yes.
Comment: The M164V variant has not been published as a pathogenic variant, nor has it been reported as a benign variant to our knowledge. This variant was not observed in approximately 6,500 individuals of European and African American ancestry in the NHLBI ExomeSequencing Project, indicating it is not a common benign variant in these populations. This substitution occurs at aposition that is conserved in mammals. However, Valine is the wild-type amino acid at this position in as least twospecies. In addition, the M164V variant is a conservative amino acid substitution, which is not likely to impactsecondary protein structure as these residues share similar properties. In silico analysis is inconsistent in itspredictions as to whether or not the variant is damaging to the protein structure/function. Furthermore, no pathogenicmissense variants in nearby residues have been reported in the Human Gene Mutation Database (Stenson et al., 2014). Therefore, based on the currently available information, it is unclear whether this variant is pathogenic or benign.

NM_002230.4(JUP):c.490A>G (p.Met164Val)

Gene: JUP (junction plakoglobin; minus strand). Cytogenetic location: 17q21.2.
Variant type: single nucleotide variant.
Coding change: c.490A>G on transcript NM_002230.4 (MANE Select); coding-DNA position 490, A replaced by G.
Protein change: p.Met164Val; replaces methionine 164 with valine.
Molecular consequence: missense variant.
Genome position (GRCh38, 1-based): chr17:41,769,186, T>C on the plus strand (A>G on the coding strand, the complement: JUP is on the minus strand). VCF-style: chr17-41769186-T-C. GRCh37 (hg19) VCF-style: chr17-39925438-T-C.
Other names: c.490A>G, p.Met164Val (NM_001352773.2, NM_001352774.2, NM_001352775.2 and 3 more transcripts); short protein forms M164V.
Identifiers: ClinVar variation 234783 (VCV000234783.3), dbSNP rs782573703, ClinGen allele CA8565458.
Genomic context (GRCh38, chr17:41,769,186, plus strand): 5'-GGGGCGAGCCCATCAGGGCCCGCCGCGACGCCTCCTTCTTCGACAGCTGGTTCACAATCA[T>C]GGCCGCCTTGGTCACCACCACCTGGAGGGCAAAGGCAGGGGCGGGGACGTGAGCACTAAG-3'
Protein context (NP_002221.1, residues 154-174): EDPVVVTKAA[Met164Val]IVNQLSKKEA